The following is an entry in ClinVar:

ClinVar aggregate classification (germline): Uncertain significance. Review status: criteria provided, multiple submitters, no conflicts (2 of 4 stars). 2 submissions from 2 submitters: Uncertain significance (2). Last evaluated 2026-07-06.

Conditions:
Hereditary cancer-predisposing syndrome. Also called: Hereditary Cancer Syndrome; Tumor predisposition; Neoplastic Syndromes, Hereditary; Hereditary neoplastic syndrome. Identifiers: Orphanet 140162, MedGen C0027672, MeSH D009386, MONDO:0015356.
Rhabdoid tumor predisposition syndrome 2 (RTPS2). Identifiers: Orphanet 231108, Orphanet 69077, MedGen C2750074, MONDO:0013224, OMIM 613325.

Submissions (2):

Ambry Genetics
Classification: Uncertain significance for Hereditary cancer-predisposing syndrome. Last evaluated: 2026-07-06. Review status: criteria provided, single submitter. Criteria: Ambry Variant Classification Scheme 2023. Collection method: clinical testing. Allele origin: germline.
Comment: The p.H889Y variant (also known as c.2665C>T), located in coding exon 18 of the SMARCA4 gene, results from a C to T substitution at nucleotide position 2665. The histidine at codon 889 is replaced by tyrosine, an amino acid with similar properties. This amino acid position is conserved. In addition, this alteration is predicted to be deleterious by in silico analysis. Based on the available evidence, the clinical significance of this variant remains unclear.

Labcorp Genetics (formerly Invitae), Labcorp
Classification: Uncertain significance for Rhabdoid tumor predisposition syndrome 2. Last evaluated: 2025-11-10. Review status: criteria provided, single submitter. Criteria: Invitae Variant Classification Sherloc (09022015). Collection method: clinical testing. Allele origin: germline.
Comment: This sequence change replaces histidine, which is basic and polar, with tyrosine, which is neutral and polar, at codon 889 of the SMARCA4 protein (p.His889Tyr). This variant is not present in population databases (gnomAD no frequency). This variant has not been reported in the literature in individuals affected with SMARCA4-related conditions. ClinVar contains an entry for this variant (Variation ID: 1512670). Invitae Evidence Modeling of protein sequence and biophysical properties (such as structural, functional, and spatial information, amino acid conservation, physicochemical variation, residue mobility, and thermodynamic stability) indicates that this missense variant is expected to disrupt SMARCA4 protein function with a positive predictive value of 95%. In summary, the available evidence is currently insufficient to determine the role of this variant in disease. Therefore, it has been classified as a Variant of Uncertain Significance.

NM_003072.5(SMARCA4):c.2665C>T (p.His889Tyr)

Gene: SMARCA4 (SWI/SNF related BAF chromatin remodeling complex subunit ATPase 4; plus strand). Cytogenetic location: 19p13.2.
Variant type: single nucleotide variant.
Coding change: c.2665C>T on transcript NM_003072.5 (MANE Select); coding-DNA position 2665, C replaced by T.
Protein change: p.His889Tyr; replaces histidine 889 with tyrosine.
Molecular consequence: missense variant. On other transcripts: non-coding transcript variant (1).
Genome position (GRCh38, 1-based): chr19:11,021,773, C>T. VCF-style: chr19-11021773-C-T. GRCh37 (hg19) VCF-style: chr19-11132449-C-T.
Other names: c.2665C>T, p.His889Tyr (NM_001128844.3, NM_001128845.2, NM_001128846.2 and 5 more transcripts); c.2665C>T (NM_001128849.1); short protein forms H889Y.
Identifiers: ClinVar variation 1512670 (VCV001512670.9), dbSNP rs2146416653, ClinGen allele CA404055880.